The following is an entry in ClinVar:

NM_004239.4(TRIP11):c.94A>G (p.Asn32Asp)

Gene: TRIP11 (thyroid hormone receptor interactor 11; minus strand). Cytogenetic location: 14q32.12.
Variant type: single nucleotide variant.
Coding change: c.94A>G on transcript NM_004239.4 (MANE Select); coding-DNA position 94, A replaced by G.
Protein change: p.Asn32Asp; replaces asparagine 32 with aspartic acid.
Molecular consequence: missense variant.
Genome position (GRCh38, 1-based): chr14:92,039,592, T>C on the plus strand (A>G on the coding strand, the complement: TRIP11 is on the minus strand). VCF-style: chr14-92039592-T-C. GRCh37 (hg19) VCF-style: chr14-92505936-T-C.
Other names: c.94A>G, p.Asn32Asp (NM_001321851.1); short protein forms N32D.
Identifiers: ClinVar variation 4086322 (VCV004086322.3).

ClinVar aggregate classification (germline): Uncertain significance. Review status: criteria provided, multiple submitters, no conflicts (2 of 4 stars). 2 submissions from 2 submitters: Uncertain significance (2). Last evaluated 2026-08-31.

Submissions (2):

GeneDx
Classification: Uncertain significance. Last evaluated: 2026-08-31. Review status: criteria provided, single submitter. Criteria: GeneDx Variant Classification Process June 2021. Collection method: clinical testing. Allele origin: germline.
Comment: Not observed at significant frequency in large population cohorts (gnomAD); In silico analysis suggests that this missense variant does not alter protein structure/function; Has not been previously published as pathogenic or benign to our knowledge

Blueprint Genetics
Classification: Uncertain significance. Last evaluated: 2023-07-21. Review status: criteria provided, single submitter. Criteria: ACMG Guidelines, 2015. Collection method: clinical testing. Allele origin: germline.